The following is an entry in ClinVar:

ClinVar aggregate classification (germline): Uncertain significance (1 of 4 stars; one submission).

Conditions:
Mitochondrial DNA depletion syndrome 9 (MTDPS9). Also called: SUCLG1-Related Mitochondrial DNA Depletion Syndrome, Encephalomyopathic Form with Methylmalonic Aciduria. Identifiers: Orphanet 17, MedGen C3151476, MONDO:0009504, OMIM 245400.

Submission:

Labcorp Genetics (formerly Invitae), Labcorp
Classification: Uncertain significance for Mitochondrial DNA depletion syndrome 9. Last evaluated: 2022-08-09. Review status: criteria provided, single submitter. Criteria: Invitae Variant Classification Sherloc (09022015). Collection method: clinical testing. Allele origin: germline.
Comment: In summary, the available evidence is currently insufficient to determine the role of this variant in disease. Therefore, it has been classified as a Variant of Uncertain Significance. Algorithms developed to predict the effect of missense changes on protein structure and function output the following: SIFT: "Deleterious"; PolyPhen-2: "Not Available"; Align-GVGD: "Class C0". The valine amino acid residue is found in multiple mammalian species, which suggests that this missense change does not adversely affect protein function. This variant has not been reported in the literature in individuals affected with SUCLG1-related conditions. This variant is not present in population databases (gnomAD no frequency). This sequence change replaces alanine, which is neutral and non-polar, with valine, which is neutral and non-polar, at codon 6 of the SUCLG1 protein (p.Ala6Val).

NM_003849.4(SUCLG1):c.17C>T (p.Ala6Val)

Gene: SUCLG1 (succinate-CoA ligase GDP/ADP-forming subunit alpha; minus strand). Cytogenetic location: 2p11.2.
Variant type: single nucleotide variant.
Coding change: c.17C>T on transcript NM_003849.4 (MANE Select); coding-DNA position 17, C replaced by T.
Protein change: p.Ala6Val; replaces alanine 6 with valine.
Molecular consequence: missense variant.
Genome position (GRCh38, 1-based): chr2:84,459,253, G>A on the plus strand (C>T on the coding strand, the complement: SUCLG1 is on the minus strand). VCF-style: chr2-84459253-G-A. GRCh37 (hg19) VCF-style: chr2-84686377-G-A.
Other names: short protein forms A6V.
Identifiers: ClinVar variation 2053204 (VCV002053204.2), dbSNP rs1238739336, ClinGen allele CA347518603.